The following is an entry in ClinVar:

NM_000053.4(ATP7B):c.2212A>C (p.Ser738Arg)

Gene: ATP7B (ATPase copper transporting beta; minus strand). Cytogenetic location: 13q14.3.
Variant type: single nucleotide variant.
Coding change: c.2212A>C on transcript NM_000053.4 (MANE Select); coding-DNA position 2212, A replaced by C.
Protein change: p.Ser738Arg; replaces serine 738 with arginine.
Molecular consequence: missense variant. On other transcripts: intron variant (20).
Genome position (GRCh38, 1-based): chr13:51,958,454, T>G on the plus strand (A>C on the coding strand, the complement: ATP7B is on the minus strand). VCF-style: chr13-51958454-T-G. GRCh37 (hg19) VCF-style: chr13-52532590-T-G.
Other names: c.1879A>C, p.Ser627Arg (NM_001243182.2); c.2212A>C, p.Ser738Arg (NM_001406523.1, NM_001406525.1, NM_001406526.1 and 7 more transcripts); c.1960A>C, p.Ser654Arg (NM_001406531.1, NM_001406532.1, NM_001406540.1 and 1 more transcripts); c.1783A>C, p.Ser595Arg (NM_001406539.1); c.1864A>C, p.Ser622Arg (NM_001406543.1); c.1870-847A>C (NM_001406541.1, NM_001005918.3, NM_001406546.1 and 1 more transcripts); c.2122-847A>C (NM_001406527.1, NM_001406528.1, NM_001406534.1 and 2 more transcripts); c.2122-54A>C (NM_001406537.1, NM_001406521.1, NM_001406522.1 and 1 more transcripts); and 8 more; short protein forms S595R, S654R, S738R, S627R, S727R, S622R, S706R.
Identifiers: ClinVar variation 2585187 (VCV002585187.1), dbSNP rs2547715779, ClinGen allele CA388022667.

ClinVar aggregate classification (germline): Uncertain significance (1 of 4 stars; one submission).

Conditions:
Wilson disease (WND). Also called: Wilson's disease. Identifiers: Orphanet 905, MedGen C0019202, MONDO:0010200, OMIM 277900. Disease mechanism: loss of function.

Submission:

Neuberg Centre For Genomic Medicine, NCGM
Classification: Uncertain significance for Wilson disease. Review status: criteria provided, single submitter. Criteria: ACMG Guidelines, 2015. Collection method: clinical testing. Allele origin: germline. Inheritance: Autosomal recessive inheritance. Affected: yes.
Comment: The missense variant c.2212A>C (p.Ser738Arg) in ATP7B gene has not been reported previously as a pathogenic variant nor as a benign variant, to our knowledge. The p.Ser738Arg variant is novel (not in any individuals) in gnomAD Exomes and 1000 Genomes. The amino acid Ser at position 738 is changed to a Arg changing protein sequence and it might alter its composition and physico-chemical properties. The variant is predicted to be damaging by both SIFT and PolyPhen2. The residue is conserved across species. The amino acid change p.Ser738Arg in ATP7B is predicted as conserved by GERP++ and PhyloP across 100 vertebrates. For these reasons, this variant has been classified as Uncertain Significance.